The following is an entry in ClinVar:

NM_001282225.2(ADA2):c.1173C>G (p.His391Gln)

Gene: ADA2 (adenosine deaminase 2; minus strand). Cytogenetic location: 22q11.1.
Variant type: single nucleotide variant.
Coding change: c.1173C>G on transcript NM_001282225.2 (MANE Select); coding-DNA position 1173, C replaced by G.
Protein change: p.His391Gln; replaces histidine 391 with glutamine.
Molecular consequence: missense variant.
Genome position (GRCh38, 1-based): chr22:17,182,670, G>C on the plus strand (C>G on the coding strand, the complement: ADA2 is on the minus strand). VCF-style: chr22-17182670-G-C. GRCh37 (hg19) VCF-style: chr22-17663560-G-C.
Other names: c.1173C>G, p.His391Gln (NM_001282226.2); c.1047C>G, p.His349Gln (NM_001282227.2, NM_001282228.2); c.813C>G, p.His271Gln (NM_001282229.2); c.450C>G, p.His150Gln (NM_177405.3); short protein forms H391Q, H349Q, H150Q, H271Q.
Identifiers: ClinVar variation 841900 (VCV000841900.10), dbSNP rs780182069, ClinGen allele CA10087936.

ClinVar aggregate classification (germline): Uncertain significance. Review status: criteria provided, multiple submitters, no conflicts (2 of 4 stars). 2 submissions from 2 submitters: Uncertain significance (2). Last evaluated 2024-10-21.

Conditions:
Deficiency of adenosine deaminase 2. Also called: Polyarteritis nodosa, childhoood-onset; VASCULITIS, AUTOINFLAMMATION, IMMUNODEFICIENCY, AND HEMATOLOGIC DEFECTS SYNDROME; Adenosine Deaminase 2 Deficiency. Identifiers: Orphanet 404553, MedGen C3887654, MONDO:0014306, OMIM 615688, MONDO:0100317.

Allele frequency attached by ClinVar (database versions not stated): TOPMed below 0.00001; ExAC 0.00002; gnomAD exomes 0.00002.
gnomAD v4.1: 12 of 1,614,100 alleles (0.00074%); highest among the groups gnomAD compares: Non-Finnish European, 0.00093%; no homozygotes.

Submissions (2):

Blueprint Genetics
Classification: Uncertain significance. Last evaluated: 2024-10-21. Review status: criteria provided, single submitter. Criteria: ACMG Guidelines, 2015. Collection method: clinical testing. Allele origin: germline.

Labcorp Genetics (formerly Invitae), Labcorp
Classification: Uncertain significance for Deficiency of adenosine deaminase 2. Last evaluated: 2023-10-24. Review status: criteria provided, single submitter. Criteria: Invitae Variant Classification Sherloc (09022015). Collection method: clinical testing. Allele origin: germline.
Comment: This sequence change replaces histidine, which is basic and polar, with glutamine, which is neutral and polar, at codon 391 of the ADA2 protein (p.His391Gln). This variant is present in population databases (rs780182069, gnomAD 0.006%). This variant has not been reported in the literature in individuals affected with ADA2-related conditions. ClinVar contains an entry for this variant (Variation ID: 841900). Advanced modeling of protein sequence and biophysical properties (such as structural, functional, and spatial information, amino acid conservation, physicochemical variation, residue mobility, and thermodynamic stability) performed at Invitae indicates that this missense variant is expected to disrupt ADA2 protein function with a positive predictive value of 80%. In summary, the available evidence is currently insufficient to determine the role of this variant in disease. Therefore, it has been classified as a Variant of Uncertain Significance.